The following is an entry in ClinVar:

ClinVar aggregate classification (germline): other (0 of 4 stars; one submission).

Conditions:
Familial colorectal cancer. Identifiers: MedGen CN280943, MONDO:0023113. Disease mechanism: loss of function.

Allele frequency attached by ClinVar (database versions not stated): gnomAD 0.64943 and 0.65646; TOPMed 0.67270; 1000 Genomes Project 30x 0.73423; 1000 Genomes Project 0.73722.
gnomAD v4.1: 99,857 of 152,148 alleles (66%); highest among the groups gnomAD compares: East Asian, 90%; 33,188 homozygotes.

Submission:

Systems Biology Platform Zhejiang California International NanoSystems Institute
Classification: other for Familial colorectal cancer. Review status: no assertion criteria provided. Collection method: not provided. Allele origin: unknown.
ClinVar note: Converted during submission from cancer to other.

NM_000038.6(APC):c.1744-1123T>A

Gene: APC (APC regulator of WNT signaling pathway; plus strand). Cytogenetic location: 5q22.2.
Variant type: single nucleotide variant.
Coding change: c.1744-1123T>A on transcript NM_000038.6 (MANE Select); 1123 bases into the intron before coding-DNA position 1744, T replaced by A.
Molecular consequence: intron variant.
Genome position (GRCh38, 1-based): chr5:112,833,828, T>A. VCF-style: chr5-112833828-T-A. GRCh37 (hg19) VCF-style: chr5-112169525-T-A.
Other names: c.1744-1123T>A (NM_001354895.2, NM_001127510.3); c.1774-1123T>A (NM_001354897.2); c.1471-1123T>A (NM_001354902.2); c.1690-1123T>A (NM_001127511.3); c.1669-1123T>A (NM_001354898.2); c.1366-1123T>A (NM_001354904.2); c.895-1123T>A (NM_001354906.2); c.1798-1123T>A (NM_001354896.2); and 5 more.
Identifiers: ClinVar variation 83196 (VCV000083196.2), dbSNP rs2546111, ClinGen allele CA005739.
Genomic context (GRCh38, chr5:112,833,828, plus strand): 5'-AGCTTTTCTAGTACCCTTTATTGTTTTTATAAATTACATTGTTAATTTTGAATCAACCAC[T>A]TGTATATAATGCTTTTTATATAAACAGAATATTGTATATACTACACTGCAACTTGCTCTT-3'